The following is an entry in ClinVar:

ClinVar aggregate classification (germline): Likely benign. Review status: criteria provided, single submitter (1 of 4 stars). 2 submissions from 2 submitters: Likely benign (1). 1 of the submissions does not count toward it. Last evaluated 2025-11-27.

Conditions:
C2CD3-related disorder. Also called: C2CD3-related condition.

Allele frequency attached by ClinVar (database versions not stated): gnomAD 0.00001; TOPMed 0.00002.
gnomAD v4.1: 208 of 1,599,934 alleles (0.013%); highest among the groups gnomAD compares: Non-Finnish European, 0.017%; no homozygotes.

Submissions (2):

Labcorp Genetics (formerly Invitae), Labcorp
Classification: Likely benign. Last evaluated: 2025-11-27. Review status: criteria provided, single submitter. Criteria: Invitae Variant Classification Sherloc (09022015). Collection method: clinical testing. Allele origin: germline.

PreventionGenetics, part of Exact Sciences
Classification: Likely benign for C2CD3-related condition. Last evaluated: 2019-05-31. Review status: no assertion criteria provided. Collection method: clinical testing. Allele origin: germline. Not counted in ClinVar's aggregate classification.
Comment: This variant is classified as likely benign based on ACMG/AMP sequence variant interpretation guidelines (Richards et al. 2015 PMID: 25741868, with internal and published modifications).

NM_001286577.2(C2CD3):c.1884T>C (p.Phe628=)

Gene: C2CD3 (C2 domain containing 3 centriole elongation regulator; minus strand). Cytogenetic location: 11q13.4.
Variant type: single nucleotide variant.
Coding change: c.1884T>C on transcript NM_001286577.2 (MANE Select); coding-DNA position 1884, T replaced by C.
Protein change: p.Phe628=; no amino-acid change (phenylalanine 628 retained).
Molecular consequence: synonymous variant.
Genome position (GRCh38, 1-based): chr11:74,109,112, A>G on the plus strand (T>C on the coding strand, the complement: C2CD3 is on the minus strand). VCF-style: chr11-74109112-A-G. GRCh37 (hg19) VCF-style: chr11-73820157-A-G.
Other names: c.1884T>C, p.Phe628= (NM_015531.6); c.1884T>C (NM_015531.5).
Identifiers: ClinVar variation 1595075 (VCV001595075.10), dbSNP rs777025781, ClinGen allele CA6182768.